The following is an entry in ClinVar:

ClinVar aggregate classification (germline): Uncertain significance (1 of 4 stars; one submission).

Conditions:
Loeys-Dietz syndrome 4 (LDS4). Also called: ANEURYSM, AORTIC AND CEREBRAL, WITH ARTERIAL TORTUOSITY AND SKELETAL MANIFESTATIONS; TGFB2-Related Loeys-Dietz Syndrome. Identifiers: MedGen C3553762, MONDO:0013897, OMIM 614816.

Submission:

Labcorp Genetics (formerly Invitae), Labcorp
Classification: Uncertain significance for Loeys-Dietz syndrome 4. Last evaluated: 2022-12-10. Review status: criteria provided, single submitter. Criteria: Invitae Variant Classification Sherloc (09022015). Collection method: clinical testing. Allele origin: germline.
Comment: This sequence change replaces serine, which is neutral and polar, with threonine, which is neutral and polar, at codon 73 of the TGFB2 protein (p.Ser73Thr). This variant is not present in population databases (gnomAD no frequency). This variant has not been reported in the literature in individuals affected with TGFB2-related conditions. Advanced modeling of protein sequence and biophysical properties (such as structural, functional, and spatial information, amino acid conservation, physicochemical variation, residue mobility, and thermodynamic stability) performed at Invitae indicates that this missense variant is not expected to disrupt TGFB2 protein function. In summary, the available evidence is currently insufficient to determine the role of this variant in disease. Therefore, it has been classified as a Variant of Uncertain Significance.

NM_003238.6(TGFB2):c.218G>C (p.Ser73Thr)

Gene: TGFB2 (transforming growth factor beta 2; plus strand). Cytogenetic location: 1q41.
Variant type: single nucleotide variant.
Coding change: c.218G>C on transcript NM_003238.6 (MANE Select); coding-DNA position 218, G replaced by C.
Protein change: p.Ser73Thr; replaces serine 73 with threonine.
Molecular consequence: missense variant. On other transcripts: non-coding transcript variant (2).
Genome position (GRCh38, 1-based): chr1:218,346,919, G>C. VCF-style: chr1-218346919-G-C. GRCh37 (hg19) VCF-style: chr1-218520261-G-C.
Other names: c.218G>C, p.Ser73Thr (NM_001135599.4); short protein forms S73T.
Identifiers: ClinVar variation 2819971 (VCV002819971.3), dbSNP rs920940168, ClinGen allele CA37544621.